The following is an entry in ClinVar:

ClinVar aggregate classification (germline): Conflicting classifications of pathogenicity. Review status: criteria provided, conflicting classifications (1 of 4 stars). 6 submissions from 6 submitters: Uncertain significance (2); Likely benign (3). 1 of the submissions does not count toward it. Last evaluated 2026-01-27.

Conditions:
COL5A2-related disorder. Also called: COL5A2-related condition.
Ehlers-Danlos syndrome, classic type, 1 (EDSCL1). Also called: Ehlers-Danlos Syndrome, Classic Type, COL5A1-Related; EDS I; Ehlers-Danlos syndrome, type 1; EHLERS-DANLOS SYNDROME, GRAVIS TYPE; EHLERS-DANLOS SYNDROME, SEVERE CLASSIC TYPE. Identifiers: MedGen C0268335, MONDO:0019567, OMIM 130000.
Connective tissue disorder. Also called: Connective tissue disease. Identifiers: MedGen C0009782, MONDO:0003900.
Familial thoracic aortic aneurysm and aortic dissection (TAAD). Also called: Thoracic aortic aneurysms and dissections. Identifiers: Orphanet 91387, MedGen C4707243, MONDO:0019625.

Allele frequency attached by ClinVar (database versions not stated): gnomAD exomes 0.00003 and 0.00006; gnomAD 0.00004; TOPMed 0.00003; ExAC 0.00002.
gnomAD v4.1: 106 of 1,613,964 alleles (0.0066%); highest among the groups gnomAD compares: Non-Finnish European, 0.008%; no homozygotes.

Submissions (6):

Labcorp Genetics (formerly Invitae), Labcorp
Classification: Likely benign for Ehlers-Danlos syndrome, classic type, 1. Last evaluated: 2026-01-27. Review status: criteria provided, single submitter. Criteria: Invitae Variant Classification Sherloc (09022015). Collection method: clinical testing. Allele origin: germline.

GeneDx
Classification: Uncertain significance. Last evaluated: 2026-01-12. Review status: criteria provided, single submitter. Criteria: GeneDx Variant Classification Process June 2021. Collection method: clinical testing. Allele origin: germline. Affected: yes.
Comment: Has not been previously published as pathogenic or benign to our knowledge; In silico analysis suggests that this missense variant does not alter protein structure/function

Mayo Clinic Laboratories, Mayo Clinic
Classification: Likely benign. Last evaluated: 2025-10-20. Review status: criteria provided, single submitter. Criteria: ACMG Guidelines, 2015. Collection method: clinical testing. Allele origin: germline. Observed: 1 variant allele.
Comment: BS1, BP4

Ambry Genetics
Classification: Uncertain significance for Familial thoracic aortic aneurysm and aortic dissection. Last evaluated: 2024-01-31. Review status: criteria provided, single submitter. Criteria: Ambry Variant Classification Scheme 2023. Collection method: clinical testing. Allele origin: germline.
Comment: The p.N1189K variant (also known as c.3567C>A), located in coding exon 50 of the COL5A2 gene, results from a C to A substitution at nucleotide position 3567. The asparagine at codon 1189 is replaced by lysine, an amino acid with similar properties. This amino acid position is not well conserved in available vertebrate species. In addition, this alteration is predicted to be tolerated by in silico analysis. Based on the available evidence, the clinical significance of this alteration remains unclear.

Center for Human Genetics, Inc
Classification: Likely benign for Connective tissue disorder. Last evaluated: 2018-06-01. Review status: criteria provided, single submitter. Criteria: ACMG Guidelines, 2015. Collection method: clinical testing. Allele origin: germline. Affected: yes.

PreventionGenetics, part of Exact Sciences
Classification: Uncertain significance for COL5A2-related condition. Last evaluated: 2024-06-12. Review status: no assertion criteria provided. Collection method: clinical testing. Allele origin: germline. Not counted in ClinVar's aggregate classification.
Comment: The COL5A2 c.3567C>A variant is predicted to result in the amino acid substitution p.Asn1189Lys. To our knowledge, this variant has not been reported in the literature. This variant is reported in 0.0062% of alleles in individuals of African descent in gnomAD. At this time, the clinical significance of this variant is uncertain due to the absence of conclusive functional and genetic evidence.

NM_000393.5(COL5A2):c.3567C>A (p.Asn1189Lys)

Gene: COL5A2 (collagen type V alpha 2 chain; minus strand). Cytogenetic location: 2q32.2.
Variant type: single nucleotide variant.
Coding change: c.3567C>A on transcript NM_000393.5 (MANE Select); coding-DNA position 3567, C replaced by A.
Protein change: p.Asn1189Lys; replaces asparagine 1189 with lysine.
Molecular consequence: missense variant.
Genome position (GRCh38, 1-based): chr2:189,041,652, G>T on the plus strand (C>A on the coding strand, the complement: COL5A2 is on the minus strand). VCF-style: chr2-189041652-G-T. GRCh37 (hg19) VCF-style: chr2-189906378-G-T.
Other names: p.Asn1189Lys; short protein forms N1189K.
Identifiers: ClinVar variation 561292 (VCV000561292.17), dbSNP rs745845130, ClinGen allele CA2021968.
Genomic context (GRCh38, chr2:189,041,652, plus strand): 5'-TCCTGCTTCTCCTACACTGCCTCGTACACCTGGAGGTCCAATTGGCCCAAGTGGCCCAGG[G>T]TTTCCTTCTTTACCTGAAGGACCAACTGGGCCTGGAGGACCCTGCAAGAAACAAAGACTG-3'
Protein context (NP_000384.2, residues 1179-1199): GPVGPSGKEG[Asn1189Lys]PGPLGPIGPP